The following is an entry in ClinVar:

ClinVar aggregate classification (germline): Uncertain significance (1 of 4 stars; one submission).

Conditions:
Arrhythmogenic right ventricular dysplasia 10. Also called: ARRHYTHMOGENIC RIGHT VENTRICULAR DYSPLASIA, FAMILIAL, 10; Arrhythmogenic right ventricular dysplasia/cardiomyopathy, type 10; Arrhythmogenic Right Ventricular Dysplasia/Cardiomyopathy10. Identifiers: MedGen C1857777, MONDO:0012434, OMIM 610193.

Submission:

Labcorp Genetics (formerly Invitae), Labcorp
Classification: Uncertain significance for Arrhythmogenic right ventricular dysplasia 10. Last evaluated: 2021-10-27. Review status: criteria provided, single submitter. Criteria: Invitae Variant Classification Sherloc (09022015). Collection method: clinical testing. Allele origin: germline.
Comment: In summary, the available evidence is currently insufficient to determine the role of this variant in disease. Therefore, it has been classified as a Variant of Uncertain Significance. This variant has not been reported in the literature in individuals affected with DSG2-related conditions. This variant is not present in population databases (gnomAD no frequency). This sequence change disrupts the translational stop signal of the DSG2 mRNA. It is expected to extend the length of the DSG2 protein by 16 additional amino acid residues.

NM_001943.5(DSG2):c.3357A>T (p.Ter1119Tyr)

Genes: DSG2 (desmoglein 2; plus strand), DSG2-AS1 (DSG2 antisense RNA 1; minus strand). Cytogenetic location: 18q12.1.
Variant type: single nucleotide variant.
Coding change: c.3357A>T on transcript NM_001943.5 (MANE Select); coding-DNA position 3357, A replaced by T.
Protein change: p.Ter1119Tyr.
Molecular consequence: stop lost.
Genome position (GRCh38, 1-based): chr18:31,546,743, A>T. VCF-style: chr18-31546743-A-T. GRCh37 (hg19) VCF-style: chr18-29126706-A-T.
Identifiers: ClinVar variation 1525068 (VCV001525068.6), dbSNP rs2144362223, ClinGen allele CA402149590.